The following is an entry in ClinVar:

NM_004629.2(FANCG):c.1087G>A (p.Ala363Thr)

Gene: FANCG (FA complementation group G; minus strand). Cytogenetic location: 9p13.3.
Variant type: single nucleotide variant.
Coding change: c.1087G>A on transcript NM_004629.2 (MANE Select); coding-DNA position 1087, G replaced by A.
Protein change: p.Ala363Thr; replaces alanine 363 with threonine.
Molecular consequence: missense variant.
Genome position (GRCh38, 1-based): chr9:35,076,018, C>T on the plus strand (G>A on the coding strand, the complement: FANCG is on the minus strand). VCF-style: chr9-35076018-C-T. GRCh37 (hg19) VCF-style: chr9-35076015-C-T.
Other names: short protein forms A363T.
Identifiers: ClinVar variation 2066661 (VCV002066661.3), dbSNP rs768324970, ClinGen allele CA5039839.

ClinVar aggregate classification (germline): Uncertain significance (1 of 4 stars; one submission).

Conditions:
Fanconi anemia (FA). Also called: Fanconi's anemia. Identifiers: Orphanet 84, MedGen C0015625, MeSH D005199, MONDO:0019391.

Allele frequency attached by ClinVar (database versions not stated): ExAC 0.00003; gnomAD 0.00001.
gnomAD v4.1: 19 of 1,613,956 alleles (0.0012%); highest among the groups gnomAD compares: Admixed American, 0.012%; no homozygotes.

Submission:

Labcorp Genetics (formerly Invitae), Labcorp
Classification: Uncertain significance for Fanconi anemia. Last evaluated: 2024-04-29. Review status: criteria provided, single submitter. Criteria: Invitae Variant Classification Sherloc (09022015). Collection method: clinical testing. Allele origin: germline.
Comment: This sequence change replaces alanine, which is neutral and non-polar, with threonine, which is neutral and polar, at codon 363 of the FANCG protein (p.Ala363Thr). This variant is present in population databases (rs768324970, gnomAD 0.01%). This variant has not been reported in the literature in individuals affected with FANCG-related conditions. ClinVar contains an entry for this variant (Variation ID: 2066661). Advanced modeling of protein sequence and biophysical properties (such as structural, functional, and spatial information, amino acid conservation, physicochemical variation, residue mobility, and thermodynamic stability) performed at Invitae indicates that this missense variant is expected to disrupt FANCG protein function with a positive predictive value of 80%. In summary, the available evidence is currently insufficient to determine the role of this variant in disease. Therefore, it has been classified as a Variant of Uncertain Significance.